The following is an entry in ClinVar:

ClinVar aggregate classification (germline): Conflicting classifications of pathogenicity. Review status: criteria provided, conflicting classifications (1 of 4 stars). 3 submissions from 3 submitters: Uncertain significance (2); Likely benign (1). Last evaluated 2025-01-06.

Conditions:
Familial melanoma. Also called: Hereditary melanoma; Hereditary cutaneous melanoma. Identifiers: Orphanet 618, MedGen C1512419, MONDO:0018961.
Hereditary cancer-predisposing syndrome. Also called: Neoplastic Syndromes, Hereditary; Tumor predisposition; Hereditary Cancer Syndrome; Hereditary neoplastic syndrome. Identifiers: Orphanet 140162, MedGen C0027672, MeSH D009386, MONDO:0015356.

Submissions (3):

Color Diagnostics, LLC DBA Color Health
Classification: Uncertain significance for Hereditary cancer-predisposing syndrome. Last evaluated: 2025-01-06. Review status: criteria provided, single submitter. Criteria: ACMG Guidelines, 2015. Collection method: clinical testing. Allele origin: germline.
Comment: The CDKN2A locus encodes two different gene products, p16INK4a and p14ARF. This variant is located in the CDKN2A (p16INK4A) protein. To our knowledge, functional studies have not been reported for this variant. This variant has not been reported in individuals affected with CDKN2A-related disorders in the literature. This variant has not been identified in the general population by the Genome Aggregation Database (gnomAD). The available evidence is insufficient to determine the role of this variant in disease conclusively. Therefore, this variant is classified as a Variant of Uncertain Significance.

Labcorp Genetics (formerly Invitae), Labcorp
Classification: Uncertain significance for Familial melanoma. Last evaluated: 2021-08-12. Review status: criteria provided, single submitter. Criteria: Invitae Variant Classification Sherloc (09022015). Collection method: clinical testing. Allele origin: germline.
Comment: This sequence change affects codon 29 of the CDKN2A (p16INK4a) mRNA. It is a 'silent' change, meaning that it does not change the encoded amino acid sequence of the CDKN2A (p16INK4a) protein. This variant is not present in population databases (ExAC no frequency). This variant has not been reported in the literature in individuals affected with CDKN2A (p16INK4a)-related conditions. Algorithms developed to predict the effect of sequence changes on RNA splicing suggest that this variant may create or strengthen a splice site. In summary, the available evidence is currently insufficient to determine the role of this variant in disease. Therefore, it has been classified as a Variant of Uncertain Significance.

Ambry Genetics
Classification: Likely benign for Hereditary cancer-predisposing syndrome. Last evaluated: 2018-11-29. Review status: criteria provided, single submitter. Criteria: Ambry Variant Classification Scheme 2023. Collection method: clinical testing. Allele origin: germline.

NM_000077.5(CDKN2A):c.85C>A (p.Arg29=)

Gene: CDKN2A (cyclin dependent kinase inhibitor 2A; minus strand). Cytogenetic location: 9p21.3.
Variant type: single nucleotide variant.
Coding change: c.85C>A on transcript NM_000077.5; coding-DNA position 85, C replaced by A.
Protein change: p.Arg29=; no amino-acid change (arginine 29 retained).
Molecular consequence: synonymous variant (on NM_000077.6). On other transcripts: intron variant (2).
Genome position (GRCh38, 1-based): chr9:21,974,743, G>T on the plus strand (C>A on the coding strand, the complement: CDKN2A is on the minus strand). VCF-style: chr9-21974743-G-T. GRCh37 (hg19) VCF-style: chr9-21974742-G-T.
Other names: c.85C>A, p.Arg29= (NM_000077.6, NM_001195132.2, NM_058197.5); c.-3-3535C>A (NM_001363763.2); c.194-3535C>A (NM_058195.4).
Identifiers: ClinVar variation 822587 (VCV000822587.8), dbSNP rs1554656382, ClinGen allele CA464100159.
Genomic context (GRCh38, chr9:21,974,743, plus strand): 5'-TCGGCCTCCGACCGTAACTATTCGGTGCGTTGGGCAGCGCCCCCGCCTCCAGCAGCGCCC[G>T]CACCTCCTCTACCCGACCCCGGGCCGCGGCCGTGGCCAGCCAGTCAGCCGAAGGCTCCAT-3'
Protein context (NP_000068.1, residues 19-39): AAARGRVEEV[Arg29=]ALLEAGALPN